The following is an entry in ClinVar:

NM_001159773.2(CANT1):c.1186G>C (p.Glu396Gln)

Gene: CANT1 (calcium activated nucleotidase 1; minus strand). Cytogenetic location: 17q25.3.
Variant type: single nucleotide variant.
Coding change: c.1186G>C on transcript NM_001159773.2 (MANE Select); coding-DNA position 1186, G replaced by C.
Protein change: p.Glu396Gln; replaces glutamic acid 396 with glutamine.
Molecular consequence: missense variant.
Genome position (GRCh38, 1-based): chr17:78,993,570, C>G on the plus strand (G>C on the coding strand, the complement: CANT1 is on the minus strand). VCF-style: chr17-78993570-C-G. GRCh37 (hg19) VCF-style: chr17-76989652-C-G.
Other names: c.1186G>C, p.Glu396Gln (NM_001159772.2, NM_138793.4); short protein forms E396Q.
Identifiers: ClinVar variation 3068314 (VCV003068314.1), dbSNP rs1198106363, ClinGen allele CA401305939.

ClinVar aggregate classification (germline): Uncertain significance (1 of 4 stars; one submission).

Conditions:
Desbuquois dysplasia 1 (DBQD1). Also called: MICROMELIC DWARFISM WITH VERTEBRAL AND METAPHYSEAL ABNORMALITIES AND ADVANCED CARPOTARSAL OSSIFICATION; DESBUQUOIS DYSPLASIA 1, KIM VARIANT. Identifiers: Orphanet 1425, MedGen C4012146, MONDO:0009629, OMIM 251450.

Submission:

Lifecell International Pvt. Ltd
Classification: Uncertain significance for Desbuquois dysplasia 1. Review status: criteria provided, single submitter. Criteria: ACMG Guidelines, 2015. Collection method: clinical testing. Allele origin: germline. Inheritance: Autosomal recessive inheritance. Affected: yes. Observed: 1 homozygote.
Comment: The missense variant NM_138793.4 (CANT1):c.1186G>C (p.Glu396Gln) has not been reported previously as a pathogenic variant nor as a benign variant, to our knowledge. The p.Glu396Gln variant is novel (not in any individuals) in gnomAD All. The p.Glu396Gln variant is novel (not in any individuals) in 1kG All. There is a small physicochemical difference between glutamic acid and glutamine. The p.Glu396Gln missense variant is predicted to be damaging by both SIFT and PolyPhen2. The glutamic acid residue at codon 396 of CANT1 is conserved in all mammalian species. The nucleotide c.1186 in CANT1 is predicted conserved by GERP++ and PhyloP across 100 vertebrates. Based on the above evidence this variant has been classified as Uncertain Significance according to the ACMG guidelines.